The following is an entry in ClinVar:

NM_001035.3(RYR2):c.8955A>G (p.Ala2985=)

Gene: RYR2 (ryanodine receptor 2; plus strand). Cytogenetic location: 1q43.
Variant type: single nucleotide variant.
Coding change: c.8955A>G on transcript NM_001035.3 (MANE Select); coding-DNA position 8955, A replaced by G.
Protein change: p.Ala2985=; no amino-acid change (alanine 2985 retained).
Molecular consequence: synonymous variant.
Genome position (GRCh38, 1-based): chr1:237,680,515, A>G. VCF-style: chr1-237680515-A-G. GRCh37 (hg19) VCF-style: chr1-237843815-A-G.
Identifiers: ClinVar variation 2915195 (VCV002915195.3), dbSNP rs778754221, ClinGen allele CA423821790.

ClinVar aggregate classification (germline): Uncertain significance (1 of 4 stars; one submission).

Conditions:
Catecholaminergic polymorphic ventricular tachycardia 1. Also called: VENTRICULAR TACHYCARDIA, CATECHOLAMINERGIC POLYMORPHIC, 1, WITH OR WITHOUT ATRIAL DYSFUNCTION AND/OR DILATED CARDIOMYOPATHY; VENTRICULAR TACHYCARDIA, STRESS-INDUCED POLYMORPHIC 1; RYR2-Related Catecholaminergic Polymorphic Ventricular Tachycardia. Identifiers: Orphanet 3286, MedGen C1631597, MONDO:0011484, OMIM 604772.

Allele frequency attached by ClinVar (database versions not stated): gnomAD 0.00001; TOPMed 0.00001.
gnomAD v4.1: 1 of 1,600,910 alleles (0.000062%); highest among the groups gnomAD compares: Non-Finnish European, 0.000086%; no homozygotes.

Submission:

Labcorp Genetics (formerly Invitae), Labcorp
Classification: Uncertain significance for Catecholaminergic polymorphic ventricular tachycardia 1. Last evaluated: 2023-06-03. Review status: criteria provided, single submitter. Criteria: Invitae Variant Classification Sherloc (09022015). Collection method: clinical testing. Allele origin: germline.
Comment: This variant has not been reported in the literature in individuals affected with RYR2-related conditions. In summary, the available evidence is currently insufficient to determine the role of this variant in disease. Therefore, it has been classified as a Variant of Uncertain Significance. Algorithms developed to predict the effect of sequence changes on RNA splicing suggest that this variant may create or strengthen a splice site. This variant is not present in population databases (gnomAD no frequency). This sequence change affects codon 2985 of the RYR2 mRNA. It is a 'silent' change, meaning that it does not change the encoded amino acid sequence of the RYR2 protein.